The following is an entry in ClinVar:

ClinVar aggregate classification (germline): Pathogenic. Review status: criteria provided, multiple submitters, no conflicts (2 of 4 stars). 3 submissions from 3 submitters: Pathogenic (3). Last evaluated 2023-12-10.

Conditions:
Ichthyosis linearis circumflexa. Identifiers: MedGen C0265962, MONDO:0043106, HP:0025810.
Netherton syndrome (NETH). Also called: NETHERTON DISEASE; ERYTHRODERMA, ICHTHYOSIFORM, WITH HYPOTRICHOSIS AND HYPER-IgE; COMEL-NETHERTON SYNDROME. Identifiers: Orphanet 634, MedGen C5574950, MONDO:0009735, OMIM 256500.

Allele frequency attached by ClinVar (database versions not stated): gnomAD exomes 0.00001 and 0.00005; gnomAD 0.00002; TOPMed 0.00002.
gnomAD v4.1: 82 of 1,613,416 alleles (0.0051%); highest among the groups gnomAD compares: Non-Finnish European, 0.0067%; no homozygotes.

Submissions (3):

GeneDx
Classification: Pathogenic. Last evaluated: 2023-12-10. Review status: criteria provided, single submitter. Criteria: GeneDx Variant Classification Process June 2021. Collection method: clinical testing. Allele origin: germline. Affected: yes.
Comment: Canonical splice site variant predicted to result in a null allele in a gene for which loss of function is a known mechanism of disease; Not observed at significant frequency in large population cohorts (gnomAD); This variant is associated with the following publications: (PMID: 33534181, 25525159, 11511292, 11841556)

Labcorp Genetics (formerly Invitae), Labcorp
Classification: Pathogenic for Ichthyosis linearis circumflexa. Last evaluated: 2023-10-04. Review status: criteria provided, single submitter. Criteria: Invitae Variant Classification Sherloc (09022015). Collection method: clinical testing. Allele origin: germline.
Comment: This sequence change affects a donor splice site in intron 2 of the SPINK5 gene. It is expected to disrupt RNA splicing. Variants that disrupt the donor or acceptor splice site typically lead to a loss of protein function (PMID: 16199547), and loss-of-function variants in SPINK5 are known to be pathogenic (PMID: 11511292, 11841556). This variant is present in population databases (no rsID available, gnomAD 0.002%). Disruption of this splice site has been observed in individuals with Netherton syndrome (PMID: 11511292, 11841556). ClinVar contains an entry for this variant (Variation ID: 429608). Algorithms developed to predict the effect of sequence changes on RNA splicing suggest that this variant may disrupt the consensus splice site. For these reasons, this variant has been classified as Pathogenic.

Victorian Clinical Genetics Services, Murdoch Childrens Research Institute
Classification: Pathogenic for Netherton syndrome. Last evaluated: 2022-02-02. Review status: criteria provided, single submitter. Criteria: ACMG Guidelines, 2015. Collection method: clinical testing. Allele origin: germline. Inheritance: Autosomal recessive inheritance. Affected: yes.
Comment: Based on the classification scheme VCGS_Germline_v1.3.4, this variant is classified as Pathogenic. Following criteria are met: 0102 - Loss of function is a known mechanism of disease in this gene and is associated with Netherton syndrome (MIM#256500). (I) 0106 - This gene is associated with autosomal recessive disease. (I) 0115 - Variants in this gene are known to have variable expressivity. Variation in disease severity has been reported in this gene (PMIDs: 11841556, 27905021). (I) 0211 - Canonical splice site variant without proven consequence on splicing (no functional evidence available). (SP) 0251 - This variant is heterozygous. (I) 0304 - Variant is present in gnomAD (v3) <0.01 for a recessive condition (3 heterozygotes, 0 homozygotes). (SP) 0505 - Abnormal splicing is predicted by in silico tools and affected nucleotide is highly conserved. (SP) 0703 - Other splice site variants comparable to the one identified in this case have moderate previous evidence for pathogenicity. c.81+2T>G and c.81+5G>A have been reported in individuals with Netherton syndrome (PMIDs: 16628198, 11841556). (SP) 0801 - This variant has strong previous evidence of pathogenicity in unrelated individuals. It has been reported in multiple individuals with Netherton syndrome (PMIDs: 11511292, 11841556, 31288584) and as pathogenic in ClinVar. (I) Legend: (SP) - Supporting pathogenic, (I) - Information, (SB) - Supporting benign

Literature cited by the submitters: PubMed 16199547 (cited by Labcorp Genetics (formerly Invitae), Labcorp); PubMed 11511292 (cited by Labcorp Genetics (formerly Invitae), Labcorp and Victorian Clinical Genetics Services, Murdoch Childrens Research Institute); PubMed 11841556 (cited by Labcorp Genetics (formerly Invitae), Labcorp and Victorian Clinical Genetics Services, Murdoch Childrens Research Institute); PubMed 16628198 (cited by Victorian Clinical Genetics Services, Murdoch Childrens Research Institute); PubMed 31288584 (cited by Victorian Clinical Genetics Services, Murdoch Childrens Research Institute).

NM_006846.4(SPINK5):c.81+2T>A

Gene: SPINK5 (serine peptidase inhibitor Kazal type 5; plus strand). Cytogenetic location: 5q32.
Variant type: single nucleotide variant.
Coding change: c.81+2T>A on transcript NM_006846.4 (MANE Select); the canonical splice donor site of the intron after coding-DNA position 81, T replaced by A.
Molecular consequence: splice donor variant.
Genome position (GRCh38, 1-based): chr5:148,065,374, T>A. VCF-style: chr5-148065374-T-A. GRCh37 (hg19) VCF-style: chr5-147444937-T-A.
Other names: c.81+2T>A (NM_001127698.2, NM_001127699.2).
Identifiers: ClinVar variation 429608 (VCV000429608.15), dbSNP rs1131691490, ClinGen allele CA361887508.
Genomic context (GRCh38, chr5:148,065,374, plus strand): 5'-TCCTTAACTTTGGTTTCTATATTTTCATCCCAGATGCTGCCAGTAAGAATGAAGATCAGG[T>A]TAGTCCTGCTTTTTCTGTTCATTGAATTCATTCCAAGATTCCCAAAGAAAAGTGGTTTGT-3'